The following is an entry in ClinVar:

NM_000051.4(ATM):c.399T>C (p.Asn133=)

Gene: ATM (ATM serine/threonine kinase; plus strand). Cytogenetic location: 11q22.3.
Variant type: single nucleotide variant.
Coding change: c.399T>C on transcript NM_000051.4 (MANE Select); coding-DNA position 399, T replaced by C.
Protein change: p.Asn133=; no amino-acid change (asparagine 133 retained).
Molecular consequence: synonymous variant.
Genome position (GRCh38, 1-based): chr11:108,235,737, T>C. VCF-style: chr11-108235737-T-C. GRCh37 (hg19) VCF-style: chr11-108106464-T-C.
Other names: c.399T>C, p.Asn133= (NM_001351834.2).
Identifiers: ClinVar variation 1736840 (VCV001736840.8), dbSNP rs1555059218, ClinGen allele CA476670374.

ClinVar aggregate classification (germline): Benign/Likely benign. Review status: criteria provided, multiple submitters, no conflicts (2 of 4 stars). 3 submissions from 3 submitters: Benign (1); Likely benign (2). Last evaluated 2024-04-19.

Conditions:
Ataxia-telangiectasia syndrome (AT). Also called: LOUIS-BAR SYNDROME; Cerebello-oculocutaneous telangiectasia; Immunodeficiency with ataxia telangiectasia; Ataxia-telangiectasia, complementation group D; AT, COMPLEMENTATION GROUP C; ATAXIA-TELANGIECTASIA, COMPLEMENTATION GROUP A. Identifiers: Orphanet 100, MedGen C0004135, MONDO:0008840, OMIM 208900.
Hereditary cancer-predisposing syndrome. Also called: Neoplastic Syndromes, Hereditary; Tumor predisposition; Hereditary Cancer Syndrome; Hereditary neoplastic syndrome. Identifiers: Orphanet 140162, MedGen C0027672, MeSH D009386, MONDO:0015356.
Familial cancer of breast. Also called: BREAST CANCER, FAMILIAL; Hereditary breast cancer; hereditary breast carcinoma. Identifiers: Orphanet 227535, MedGen C0346153, MONDO:0016419, OMIM 114480. Disease mechanism: loss of function.

Submissions (3):

Myriad Genetics, Inc.
Classification: Benign for Familial cancer of breast. Last evaluated: 2024-04-19. Review status: criteria provided, single submitter. Criteria: Myriad Autosomal Dominant, Autosomal Recessive and X-Linked Classification Criteria (2023). Collection method: clinical testing. Allele origin: unknown.
Comment: This variant is considered benign. This variant is a silent/synonymous amino acid change and it is not expected to impact splicing.

Labcorp Genetics (formerly Invitae), Labcorp
Classification: Likely benign for Ataxia-telangiectasia syndrome. Last evaluated: 2022-06-28. Review status: criteria provided, single submitter. Criteria: Invitae Variant Classification Sherloc (09022015). Collection method: clinical testing. Allele origin: germline.

Ambry Genetics
Classification: Likely benign for Hereditary cancer-predisposing syndrome. Last evaluated: 2021-04-07. Review status: criteria provided, single submitter. Criteria: Ambry Variant Classification Scheme 2023. Collection method: clinical testing. Allele origin: germline.